The following is an entry in ClinVar:

NM_002692.4(POLE2):c.323+4_323+7del

Gene: POLE2 (DNA polymerase epsilon 2, accessory subunit; minus strand). Cytogenetic location: 14q21.3.
Variant type: Deletion.
Coding change: c.323+4_323+7del on transcript NM_002692.4 (MANE Select); bases 4 to 7 of the intron after coding-DNA position 323, 4 bases deleted (AGTA; older notation c.323+4_323+7delAGTA).
Molecular consequence: splice donor variant. On other transcripts: intron variant (1).
Genome position (GRCh38, 1-based): chr14:49,674,343-49,674,346, TACT deleted on the plus strand (AGTA on the coding strand, the reverse complement: POLE2 is on the minus strand); deleting any 4 consecutive bases within chr14:49,674,343-49,674,349 gives the same sequence; the c. name uses the placement nearest the transcript's 3' end. VCF-style (leftmost placement, unchanged base first): chr14-49674342-ATACT-A. GRCh37 (hg19) VCF-style: chr14-50141060-ATACT-A.
Other names: c.246-130_246-127del (NM_001197330.2); c.323+4_323+7del (NM_001348384.2, NM_001197331.3); c.92+4_92+7del (NM_001348385.2).
Identifiers: ClinVar variation 3629104 (VCV003629104.2).

ClinVar aggregate classification (germline): Uncertain significance (1 of 4 stars; one submission).

Submission:

Labcorp Genetics (formerly Invitae), Labcorp
Classification: Uncertain significance. Last evaluated: 2024-03-21. Review status: criteria provided, single submitter. Criteria: Invitae Variant Classification Sherloc (09022015). Collection method: clinical testing. Allele origin: germline.
Comment: This sequence change falls in intron 4 of the POLE2 gene. It does not directly change the encoded amino acid sequence of the POLE2 protein. It affects a nucleotide within the consensus splice site. This variant is present in population databases (rs754111345, gnomAD 0.007%). This variant has not been reported in the literature in individuals affected with POLE2-related conditions. Variants that disrupt the consensus splice site are a relatively common cause of aberrant splicing (PMID: 17576681, 9536098). Algorithms developed to predict the effect of sequence changes on RNA splicing suggest that this variant may disrupt the consensus splice site. In summary, the available evidence is currently insufficient to determine the role of this variant in disease. Therefore, it has been classified as a Variant of Uncertain Significance.

Literature cited by the submitters: PubMed 17576681; PubMed 9536098.